The following is an entry in ClinVar:

ClinVar aggregate classification (germline): Pathogenic (1 of 4 stars; one submission).

Submission:

Labcorp Genetics (formerly Invitae), Labcorp
Classification: Pathogenic. Last evaluated: 2025-07-07. Review status: criteria provided, single submitter. Criteria: Invitae Variant Classification Sherloc (09022015). Collection method: clinical testing. Allele origin: germline.
Comment: This sequence change creates a premature translational stop signal (p.Arg103Profs*71) in the TULP1 gene. It is expected to result in an absent or disrupted protein product. Loss-of-function variants in TULP1 are known to be pathogenic (PMID: 8606774, 10549638, 15024725, 18055821). This variant is not present in population databases (gnomAD no frequency). This variant has not been reported in the literature in individuals affected with TULP1-related conditions. ClinVar contains an entry for this variant (Variation ID: 1453373). For these reasons, this variant has been classified as Pathogenic.

Literature cited by the submitters: PubMed 8606774; PubMed 10549638; PubMed 15024725; PubMed 18055821.

NM_003322.6(TULP1):c.307dup (p.Arg103fs)

Gene: TULP1 (TUB like protein 1; minus strand). Cytogenetic location: 6p21.31.
Variant type: Duplication.
Coding change: c.307dup on transcript NM_003322.6 (MANE Select); coding-DNA position 307, one base duplicated (C; older notation c.307dupC).
Protein change: p.Arg103fs; shifts the reading frame from arginine 103.
Molecular consequence: frameshift variant. On other transcripts: intron variant (1).
Genome position (GRCh38, 1-based): chr6:35,511,690, G duplicated on the plus strand (C on the coding strand, the reverse complement: TULP1 is on the minus strand); the first of 5 consecutive G bases (chr6:35,511,690-35,511,694); duplicating any one gives the same sequence. VCF-style (leftmost placement, unchanged base first): chr6-35511689-C-CG. GRCh37 (hg19) VCF-style: chr6-35479466-C-CG.
Other names: c.190+490dup (NM_001289395.2); short protein forms R103fs.
Identifiers: ClinVar variation 1453373 (VCV001453373.6), dbSNP rs2150928372, ClinGen allele CA2573140328.